The following is an entry in ClinVar:

NM_000038.6(APC):c.1468A>G (p.Asn490Asp)

Gene: APC (APC regulator of Wnt signaling pathway; plus strand). Cytogenetic location: 5q22.2.
Variant type: single nucleotide variant.
Coding change: c.1468A>G on transcript NM_000038.6 (MANE Select); coding-DNA position 1468, A replaced by G.
Protein change: p.Asn490Asp; replaces asparagine 490 with aspartic acid.
Molecular consequence: missense variant.
Genome position (GRCh38, 1-based): chr5:112,827,167, A>G. VCF-style: chr5-112827167-A-G. GRCh37 (hg19) VCF-style: chr5-112162864-A-G.
Other names: c.1468A>G, p.Asn490Asp (NM_001127510.3, NM_001354895.2); c.1414A>G, p.Asn472Asp (NM_001127511.3); c.1522A>G, p.Asn508Asp (NM_001354896.2); c.1498A>G, p.Asn500Asp (NM_001354897.2); c.1393A>G, p.Asn465Asp (NM_001354898.2); c.1384A>G, p.Asn462Asp (NM_001354899.2); c.1345A>G, p.Asn449Asp (NM_001354900.2); c.1291A>G, p.Asn431Asp (NM_001354901.2); and 5 more; short protein forms N449D, N490D, N364D, N399D, N465D, N508D, N207D, N330D.
Identifiers: ClinVar variation 956497 (VCV000956497.13), dbSNP rs568527758, ClinGen allele CA16024517.

ClinVar aggregate classification (germline): Uncertain significance. Review status: criteria provided, multiple submitters, no conflicts (2 of 4 stars). 2 submissions from 2 submitters: Uncertain significance (2). Last evaluated 2022-11-10.

Conditions:
Hereditary cancer-predisposing syndrome. Also called: Hereditary neoplastic syndrome; Tumor predisposition; Neoplastic Syndromes, Hereditary; Hereditary Cancer Syndrome. Identifiers: Orphanet 140162, MedGen C0027672, MeSH D009386, MONDO:0015356.
Familial adenomatous polyposis 1 (FAP1). Also called: FAMILIAL ADENOMATOUS POLYPOSIS 1, ATTENUATED; POLYPOSIS, ADENOMATOUS INTESTINAL. Identifiers: MedGen C2713442, MONDO:0021056, OMIM 175100. Disease mechanism: loss of function.

Allele frequency attached by ClinVar (database versions not stated): gnomAD 0.00001; 1000 Genomes Project 0.00020; 1000 Genomes Project 30x 0.00031.
gnomAD v4.1: 1 of 1,613,836 alleles (0.000062%); highest among the groups gnomAD compares: African/African-American, 0.0013%; no homozygotes.

Submissions (2):

Ambry Genetics
Classification: Uncertain significance for Hereditary cancer-predisposing syndrome. Last evaluated: 2022-11-10. Review status: criteria provided, single submitter. Criteria: Ambry Variant Classification Scheme 2023. Collection method: clinical testing. Allele origin: germline.
Comment: The p.N490D variant (also known as c.1468A>G), located in coding exon 11 of the APC gene, results from an A to G substitution at nucleotide position 1468. The asparagine at codon 490 is replaced by aspartic acid, an amino acid with highly similar properties. This amino acid position is conserved. In addition, in silico predictors for this gene do not accurately predict pathogenicity. Since supporting evidence is limited at this time, the clinical significance of this alteration remains unclear.

Labcorp Genetics (formerly Invitae), Labcorp
Classification: Uncertain significance for Familial adenomatous polyposis 1. Last evaluated: 2019-09-06. Review status: criteria provided, single submitter. Criteria: Invitae Variant Classification Sherloc (09022015). Collection method: clinical testing. Allele origin: germline.
Comment: In summary, the available evidence is currently insufficient to determine the role of this variant in disease. Therefore, it has been classified as a Variant of Uncertain Significance. Algorithms developed to predict the effect of missense changes on protein structure and function (SIFT, PolyPhen-2, Align-GVGD) all suggest that this variant is likely to be tolerated, but these predictions have not been confirmed by published functional studies and their clinical significance is uncertain. This sequence change replaces asparagine with aspartic acid at codon 490 of the APC protein (p.Asn490Asp). The asparagine residue is moderately conserved and there is a small physicochemical difference between asparagine and aspartic acid. This variant is not present in population databases (ExAC no frequency). This variant has not been reported in the literature in individuals with APC-related conditions.